The following is an entry in ClinVar:

NM_000059.4(BRCA2):c.516+2T>C

Gene: BRCA2 (BRCA2 DNA repair associated; plus strand). Cytogenetic location: 13q13.1.
Variant type: single nucleotide variant.
Coding change: c.516+2T>C on transcript NM_000059.4 (MANE Select); the canonical splice donor site of the intron after coding-DNA position 516, T replaced by C.
Molecular consequence: splice donor variant.
Genome position (GRCh38, 1-based): chr13:32,326,284, T>C. VCF-style: chr13-32326284-T-C. GRCh37 (hg19) VCF-style: chr13-32900421-T-C.
Other names: c.516+2T>C (NM_001406720.1, NM_001406719.1, NM_001406721.1); c.147+2T>C (NM_001406722.1).
Identifiers: ClinVar variation 531315 (VCV000531315.15), dbSNP rs397507764, ClinGen allele CA387757754.

ClinVar aggregate classification (germline): Pathogenic. Review status: criteria provided, single submitter (1 of 4 stars). 2 submissions from 2 submitters: Pathogenic (1). 1 of the submissions does not count toward it. Last evaluated 2018-04-05.

Conditions:
Hereditary breast ovarian cancer syndrome. Also called: Hereditary breast and ovarian cancer syndrome (HBOC); BRCA1- and BRCA2-Associated Hereditary Breast and Ovarian Cancer; Hereditary breast and ovarian cancer syndrome; Breast and ovarian cancer; Hereditary breast and ovarian cancer; Hereditary breast and/or ovarian cancer syndrome. Identifiers: Orphanet 145, MedGen C0677776, MeSH D061325, MONDO:0003582. Disease mechanism: loss of function.

Submissions (2):

Labcorp Genetics (formerly Invitae), Labcorp
Classification: Pathogenic for Hereditary breast ovarian cancer syndrome. Last evaluated: 2018-04-05. Review status: criteria provided, single submitter. Criteria: Invitae Variant Classification Sherloc (09022015). Collection method: clinical testing. Allele origin: germline.
Comment: This variant is not present in population databases (ExAC no frequency). For these reasons, this variant has been classified as Pathogenic. Donor and acceptor splice site variants typically lead to a loss of protein function (PMID: 16199547), and loss-of-function variants in BRCA2 are known to be pathogenic (PMID: 20104584). An experimental study has reported that this donor splice site variant results in skipping of exon 6 (PMID: 22505045). This variant has been reported in an individual affected with a personal and/or family history of BRCA2-related disease (PMID: 22505045). This sequence change affects a donor splice site in intron 6 of the BRCA2 gene. It is expected to disrupt RNA splicing and likely results in an absent or disrupted protein product.

Hereditary Cancer Genetics group, Vall d'Hebron Institute of Oncology
Classification: Pathogenic for Hereditary breast and ovarian cancer syndrome. Last evaluated: 2019-03-01. Review status: no assertion criteria provided. Collection method: research. Allele origin: germline. Affected: yes. Not counted in ClinVar's aggregate classification.

Literature cited by the submitters: PubMed 16199547 (cited by Labcorp Genetics (formerly Invitae), Labcorp); PubMed 20104584 (cited by Labcorp Genetics (formerly Invitae), Labcorp); PubMed 22505045 (cited by Labcorp Genetics (formerly Invitae), Labcorp); PubMed 30472649 (cited by Hereditary Cancer Genetics group, Vall d'Hebron Institute of Oncology).